The following is an entry in ClinVar:

ClinVar aggregate classification (germline): Uncertain significance (1 of 4 stars; one submission).

Conditions:
TRIOBP-related disorder. Also called: TRIOBP-related condition.

gnomAD v4.1: 1 of 1,593,974 alleles (0.000063%); highest among the groups gnomAD compares: African/African-American, 0.0014%; no homozygotes.

Submission:

PreventionGenetics, part of Exact Sciences
Classification: Uncertain significance for TRIOBP-related condition. Last evaluated: 2026-06-10. Review status: criteria provided, single submitter. Criteria: ACMG Guidelines, 2015. Collection method: clinical testing. Allele origin: germline.
Comment: The TRIOBP c.3506G>T variant is predicted to result in the amino acid substitution p.Arg1169Leu. To our knowledge, this variant has not been reported in the literature or in a large population database (gnomAD), indicating this variant is rare. At this time, the clinical significance of this variant is uncertain due to the absence of conclusive functional and genetic evidence.

NM_001039141.3(TRIOBP):c.3506G>T (p.Arg1169Leu)

Gene: TRIOBP (TRIO and F-actin binding protein; plus strand). Cytogenetic location: 22q13.1.
Variant type: single nucleotide variant.
Coding change: c.3506G>T on transcript NM_001039141.3 (MANE Select); coding-DNA position 3506, G replaced by T.
Protein change: p.Arg1169Leu; replaces arginine 1169 with leucine.
Molecular consequence: missense variant.
Genome position (GRCh38, 1-based): chr22:37,726,062, G>T. VCF-style: chr22-37726062-G-T. GRCh37 (hg19) VCF-style: chr22-38122069-G-T.
Other names: short protein forms R1169L.
Identifiers: ClinVar variation 4983721 (VCV004983721.1).